The following is an entry in ClinVar:

ClinVar aggregate classification (germline): Benign. Review status: criteria provided, multiple submitters, no conflicts (2 of 4 stars). 6 submissions from 6 submitters: Benign (3). 3 of the submissions do not count toward it. Last evaluated 2026-01-26.

Conditions:
TAF1-related disorder. Also called: TAF1-related condition.

Allele frequency attached by ClinVar (database versions not stated): 1000 Genomes Project 0.00715; gnomAD 0.00738 and 0.00697; 1000 Genomes Project 30x 0.00770; TOPMed 0.00832; ESP Exome Variant Server 0.00928; gnomAD exomes 0.00072 and 0.00202; ExAC 0.00243.

Submissions (6):

Labcorp Genetics (formerly Invitae), Labcorp
Classification: Benign. Last evaluated: 2026-01-26. Review status: criteria provided, single submitter. Criteria: Invitae Variant Classification Sherloc (09022015). Collection method: clinical testing. Allele origin: germline.

Eurofins Ntd Llc (ga)
Classification: Benign. Last evaluated: 2016-07-21. Review status: criteria provided, single submitter. Criteria: EGL Classification Definitions 2015. Collection method: clinical testing. Allele origin: germline. Observed: 1 variant allele, 1 heterozygote.

Breakthrough Genomics
Classification: Benign. Review status: criteria provided, single submitter. Criteria: ACMG Guidelines, 2015. Collection method: not provided. Allele origin: germline. Inheritance: X-linked inheritance. Affected: yes.

PreventionGenetics, part of Exact Sciences
Classification: Benign for TAF1-related condition. Last evaluated: 2019-06-19. Review status: no assertion criteria provided. Collection method: clinical testing. Allele origin: germline. Not counted in ClinVar's aggregate classification.
Comment: This variant is classified as benign based on ACMG/AMP sequence variant interpretation guidelines (Richards et al. 2015 PMID: 25741868, with internal and published modifications).

Clinical Genetics DNA and cytogenetics Diagnostics Lab, Erasmus MC, Erasmus Medical Center
Classification: Benign. Review status: no assertion criteria provided. Collection method: clinical testing. Allele origin: germline. Affected: yes. Study: VKGL Data-share Consensus. Not counted in ClinVar's aggregate classification.

Diagnostic Laboratory, Department of Genetics, University Medical Center Groningen
Classification: Benign. Review status: no assertion criteria provided. Collection method: clinical testing. Allele origin: germline. Affected: yes. Study: VKGL Data-share Consensus. Not counted in ClinVar's aggregate classification.

NC_000023.11:g.71366346C>T

Gene: TAF1 (TATA-box binding protein associated factor 1; plus strand). Cytogenetic location: Xq13.1.
Variant type: single nucleotide variant.
Molecular consequence: missense variant (on NM_001286074.1).
Genome position: GRCh38 VCF-style: chrX-71366346-C-T. GRCh37 (hg19) VCF-style: chrX-70586196-C-T.
Other names: c.32C>T, p.Thr11Ile (NM_001286074.1).
Identifiers: ClinVar variation 289208 (VCV000289208.22), dbSNP rs139510844, ClinGen allele CA10446480.
Genomic context (GRCh38, chrX:71,366,346, plus strand): 5'-CTGGGCGACTGTTGTTTTATTTCCGGTCTATGGGACCCGGCTGCGATTTGCTGCTGCGGA[C>T]AGCAGCTACCATCACTGCTGCCGCCATCATGTCAGACACGGACAGCGACGAAGATTCCGC-3'